The following is an entry in ClinVar:

ClinVar aggregate classification (germline): Uncertain significance. Review status: criteria provided, multiple submitters, no conflicts (2 of 4 stars). 2 submissions from 2 submitters: Uncertain significance (2). Last evaluated 2025-06-07.

Conditions:
Pitt-Hopkins-like syndrome 2 (PTHSL2). Identifiers: Orphanet 221150, Orphanet 600663, MedGen C3280479, MONDO:0013690, OMIM 614325.
Inborn genetic diseases. Identifiers: MedGen C0950123, MeSH D030342.

Allele frequency attached by ClinVar (database versions not stated): gnomAD exomes below 0.00001; TOPMed below 0.00001; gnomAD 0.00001.
gnomAD v4.1: 2 of 1,613,738 alleles (0.00012%); highest among the groups gnomAD compares: Admixed American, 0.0033%; no homozygotes.

Submissions (2):

Ambry Genetics
Classification: Uncertain significance for Inborn genetic diseases. Last evaluated: 2025-06-07. Review status: criteria provided, single submitter. Criteria: Ambry Variant Classification Scheme 2023. Collection method: clinical testing. Allele origin: germline.

Labcorp Genetics (formerly Invitae), Labcorp
Classification: Uncertain significance for Pitt-Hopkins-like syndrome 2. Last evaluated: 2023-05-05. Review status: criteria provided, single submitter. Criteria: Invitae Variant Classification Sherloc (09022015). Collection method: clinical testing. Allele origin: germline.
Comment: This sequence change replaces threonine, which is neutral and polar, with isoleucine, which is neutral and non-polar, at codon 893 of the NRXN1 protein (p.Thr893Ile). This variant is not present in population databases (gnomAD no frequency). This variant has not been reported in the literature in individuals affected with NRXN1-related conditions. ClinVar contains an entry for this variant (Variation ID: 2153408). An algorithm developed to predict the effect of missense changes on protein structure and function (PolyPhen-2) suggests that this variant is likely to be disruptive. In summary, the available evidence is currently insufficient to determine the role of this variant in disease. Therefore, it has been classified as a Variant of Uncertain Significance.

NM_001330078.2(NRXN1):c.2558C>T (p.Thr853Ile)

Gene: NRXN1 (neurexin 1; minus strand). Cytogenetic location: 2p16.3.
Variant type: single nucleotide variant.
Coding change: c.2558C>T on transcript NM_001330078.2 (MANE Select); coding-DNA position 2558, C replaced by T.
Protein change: p.Thr853Ile; replaces threonine 853 with isoleucine.
Molecular consequence: missense variant.
Genome position (GRCh38, 1-based): chr2:50,497,654, G>A on the plus strand (C>T on the coding strand, the complement: NRXN1 is on the minus strand). VCF-style: chr2-50497654-G-A. GRCh37 (hg19) VCF-style: chr2-50724792-G-A.
Other names: c.2678C>T, p.Thr893Ile (NM_001135659.3); c.2534C>T, p.Thr845Ile (NM_001330077.2, NM_001330082.2); c.2492C>T, p.Thr831Ile (NM_001330083.2, NM_001330084.2); c.2531C>T, p.Thr844Ile (NM_001330085.2); c.2678C>T (NM_001135659.1); c.2558C>T, p.Thr853Ile (NM_001330086.2, NM_004801.6); c.2447C>T, p.Thr816Ile (NM_001330087.2, NM_001330096.2); c.2477C>T, p.Thr826Ile (NM_001330088.2); and 3 more; short protein forms T826I, T831I, T845I, T852I, T836I, T853I, T816I, T844I.
Identifiers: ClinVar variation 2153408 (VCV002153408.5), dbSNP rs914814790, ClinGen allele CA47361069.